The following is an entry in ClinVar:

NM_206933.4(USH2A):c.1075T>C (p.Phe359Leu)

Gene: USH2A (usherin; minus strand). Cytogenetic location: 1q41.
Variant type: single nucleotide variant.
Coding change: c.1075T>C on transcript NM_206933.4 (MANE Select); coding-DNA position 1075, T replaced by C.
Protein change: p.Phe359Leu; replaces phenylalanine 359 with leucine.
Molecular consequence: missense variant.
Genome position (GRCh38, 1-based): chr1:216,325,373, A>G on the plus strand (T>C on the coding strand, the complement: USH2A is on the minus strand). VCF-style: chr1-216325373-A-G. GRCh37 (hg19) VCF-style: chr1-216498715-A-G.
Other names: c.1075T>C, p.Phe359Leu (NM_007123.6); short protein forms F359L.
Identifiers: ClinVar variation 2122087 (VCV002122087.4), dbSNP rs2037708553, ClinGen allele CA344912314.

ClinVar aggregate classification (germline): Uncertain significance (1 of 4 stars; one submission).

Allele frequency attached by ClinVar (database versions not stated): gnomAD 0.00001; TOPMed 0.00001.

Submission:

Labcorp Genetics (formerly Invitae), Labcorp
Classification: Uncertain significance. Last evaluated: 2022-04-06. Review status: criteria provided, single submitter. Criteria: Invitae Variant Classification Sherloc (09022015). Collection method: clinical testing. Allele origin: germline.
Comment: This sequence change replaces phenylalanine, which is neutral and non-polar, with leucine, which is neutral and non-polar, at codon 359 of the USH2A protein (p.Phe359Leu). This variant is not present in population databases (gnomAD no frequency). This variant has not been reported in the literature in individuals affected with USH2A-related conditions. Algorithms developed to predict the effect of missense changes on protein structure and function are either unavailable or do not agree on the potential impact of this missense change (SIFT: "Deleterious"; PolyPhen-2: "Benign"; Align-GVGD: "Class C0"). In summary, the available evidence is currently insufficient to determine the role of this variant in disease. Therefore, it has been classified as a Variant of Uncertain Significance.